The following is an entry in ClinVar:

NM_000179.3(MSH6):c.2252A>T (p.Asn751Ile)

Gene: MSH6 (mutS homolog 6; plus strand). Cytogenetic location: 2p16.3.
Variant type: single nucleotide variant.
Coding change: c.2252A>T on transcript NM_000179.3 (MANE Select); coding-DNA position 2252, A replaced by T.
Protein change: p.Asn751Ile; replaces asparagine 751 with isoleucine.
Molecular consequence: missense variant.
Genome position (GRCh38, 1-based): chr2:47,800,235, A>T. VCF-style: chr2-47800235-A-T. GRCh37 (hg19) VCF-style: chr2-48027374-A-T.
Other names: c.1862A>T, p.Asn621Ile (NM_001281492.2); c.1346A>T, p.Asn449Ile (NM_001281493.2, NM_001281494.2); short protein forms N751I, N621I, N449I.
Identifiers: ClinVar variation 455183 (VCV000455183.14), dbSNP rs1553413626, ClinGen allele CA346752673.

ClinVar aggregate classification (germline): Uncertain significance. Review status: criteria provided, multiple submitters, no conflicts (2 of 4 stars). 3 submissions from 3 submitters: Uncertain significance (3). Last evaluated 2025-05-02.

Conditions:
Hereditary nonpolyposis colorectal neoplasms. Identifiers: MedGen C0009405, MeSH D003123.
Hereditary cancer-predisposing syndrome. Also called: Hereditary Cancer Syndrome; Hereditary neoplastic syndrome; Neoplastic Syndromes, Hereditary; Tumor predisposition. Identifiers: Orphanet 140162, MedGen C0027672, MeSH D009386, MONDO:0015356.

gnomAD v4.1: 1 of 1,614,202 alleles (0.000062%); highest among the groups gnomAD compares: Non-Finnish European, 0.000085%; no homozygotes.

Submissions (3):

Labcorp Genetics (formerly Invitae), Labcorp
Classification: Uncertain significance for Hereditary nonpolyposis colorectal neoplasms. Last evaluated: 2025-05-02. Review status: criteria provided, single submitter. Criteria: Invitae Variant Classification Sherloc (09022015). Collection method: clinical testing. Allele origin: germline.
Comment: This sequence change replaces asparagine, which is neutral and polar, with isoleucine, which is neutral and non-polar, at codon 751 of the MSH6 protein (p.Asn751Ile). This variant is not present in population databases (gnomAD no frequency). This variant has not been reported in the literature in individuals affected with MSH6-related conditions. ClinVar contains an entry for this variant (Variation ID: 455183). Invitae Evidence Modeling of protein sequence and biophysical properties (such as structural, functional, and spatial information, amino acid conservation, physicochemical variation, residue mobility, and thermodynamic stability) has been performed for this missense variant. However, the output from this modeling did not meet the statistical confidence thresholds required to predict the impact of this variant on MSH6 protein function. In summary, the available evidence is currently insufficient to determine the role of this variant in disease. Therefore, it has been classified as a Variant of Uncertain Significance.

Quest Diagnostics Nichols Institute San Juan Capistrano
Classification: Uncertain significance. Last evaluated: 2024-11-20. Review status: criteria provided, single submitter. Criteria: Quest Diagnostics criteria. Collection method: clinical testing. Allele origin: unknown.
Comment: The MSH6 c.2252A>T (p.Asn751Ile) variant has not been reported in individuals with MSH6-related conditions in the published literature. It also has not been reported in large, multi-ethnic general populations (Genome Aggregation Database). Analysis of this variant using bioinformatics tools for the prediction of the effect of amino acid changes on protein structure and function yielded conflicting predictions that this variant is benign or damaging. Based on the available information, we are unable to determine the clinical significance of this variant.

Ambry Genetics
Classification: Uncertain significance for Hereditary cancer-predisposing syndrome. Last evaluated: 2022-02-24. Review status: criteria provided, single submitter. Criteria: Ambry Variant Classification Scheme 2023. Collection method: clinical testing. Allele origin: germline.
Comment: The p.N751I variant (also known as c.2252A>T), located in coding exon 4 of the MSH6 gene, results from an A to T substitution at nucleotide position 2252. The asparagine at codon 751 is replaced by isoleucine, an amino acid with dissimilar properties. This amino acid position is conserved. In addition, the in silico prediction for this alteration is inconclusive. Since supporting evidence is limited at this time, the clinical significance of this alteration remains unclear.